The following is an entry in ClinVar:

ClinVar aggregate classification (germline): Pathogenic/Likely pathogenic. Review status: criteria provided, multiple submitters, no conflicts (2 of 4 stars). 3 submissions from 3 submitters: Pathogenic (2); Likely pathogenic (1). Last evaluated 2024-10-01.

Conditions:
Leukodystrophy, Adult-Onset. Identifiers: MedGen CN239186.

Submissions (3):

Athena Diagnostics
Classification: Pathogenic. Last evaluated: 2024-10-01. Review status: criteria provided, single submitter. Criteria: Athena Diagnostics Criteria. Collection method: clinical testing. Allele origin: unknown.
Comment: This variant alters a critical location within the protein, and is expected to severely affect function and cause disease. This variant has not been reported in large, multi-ethnic general populations. This variant has been identified in at least one individual with clinical features associated with CADASIL. Greater than 90% of NOTCH3 pathogenic variants associated with CADASIL involve the gain or loss of a cysteine residue within the epidermal growth factor (EGF)-like repeat domain (PMID: 32457593, 20301673).

Labcorp Genetics (formerly Invitae), Labcorp
Classification: Likely pathogenic. Last evaluated: 2024-04-19. Review status: criteria provided, single submitter. Criteria: Invitae Variant Classification Sherloc (09022015). Collection method: clinical testing. Allele origin: germline.
Comment: This sequence change replaces cysteine, which is neutral and slightly polar, with serine, which is neutral and polar, at codon 245 of the NOTCH3 protein (p.Cys245Ser). This variant is not present in population databases (gnomAD no frequency). This missense change has been observed in individual(s) with cerebral arteriopathy with subcortical infarcts and leukoencephalopathy 1 (PMID: 15834040, 24840674; Invitae). Advanced modeling of protein sequence and biophysical properties (such as structural, functional, and spatial information, amino acid conservation, physicochemical variation, residue mobility, and thermodynamic stability) performed at Invitae indicates that this missense variant is expected to disrupt NOTCH3 protein function with a positive predictive value of 95%. This variant disrupts the p.Cys245 amino acid residue in NOTCH3. Other variant(s) that disrupt this residue have been observed in individuals with NOTCH3-related conditions (PMID: 16009764, 22688109, 28991717, 32277177, 32555735), which suggests that this may be a clinically significant amino acid residue. In summary, the currently available evidence indicates that the variant is pathogenic, but additional data are needed to prove that conclusively. Therefore, this variant has been classified as Likely Pathogenic.

Cambridge Genomics Laboratory, East Genomic Laboratory Hub, NHS Genomic Medicine Service
Classification: Pathogenic for Adult onset leukodystrophy. Last evaluated: 2023-11-28. Review status: criteria provided, single submitter. Criteria: ACGS Best Practice Guidelines for Variant Classification in Rare Disease 2020. Collection method: clinical testing. Allele origin: germline. Affected: yes.
Comment: The missense variant NM_000435.3(NOTCH3):c.733T>A (p.Cys245Ser) causes a change at the same amino acid residue as a previously established pathogenic variant. (PM5 - Moderate) | The p.Cys245Ser variant is novel (not in any individuals) in gnomAD All. The p.Cys245Ser variant is novel (not in any individuals) in 1kG All. The p.Cys245Ser variant is novel (not in any individuals) in gnomAD Genomes v3 All. (PM2 - Moderate) | The gene NOTCH3 has a low rate of benign missense variation as indicated by a high missense variants Z-Score of 3.53. The gene NOTCH3 contains 217 pathogenic missense variants, indicating that missense variants are a common mechanism of disease in this gene. (PP2 - Supporting) | 4 variants within 6 amino acid positions of the variant p.Cys245Ser have been shown to be pathogenic, while none have been shown to be benign. (PM1_Strong - Strong) | The p.Cys245Ser missense variant is predicted to be damaging by both SIFT and PolyPhen2. The cysteine residue at codon 245 of NOTCH3 is conserved in all mammalian species. The nucleotide c.733 in NOTCH3 is predicted conserved by GERP++ and PhyloP across 100 vertebrates. (PP3 - Supporting)

Literature cited by the submitters: PubMed 22422895 (cited by Athena Diagnostics); PubMed 24840674 (cited by Athena Diagnostics and Labcorp Genetics (formerly Invitae), Labcorp); PubMed 20167921 (cited by Athena Diagnostics); PubMed 15834040 (cited by Athena Diagnostics and Labcorp Genetics (formerly Invitae), Labcorp); PubMed 38790158 (cited by Athena Diagnostics); PubMed 25980907 (cited by Athena Diagnostics); PubMed 16009764 (cited by Labcorp Genetics (formerly Invitae), Labcorp); PubMed 22688109 (cited by Labcorp Genetics (formerly Invitae), Labcorp); PubMed 28991717 (cited by Labcorp Genetics (formerly Invitae), Labcorp); PubMed 32277177 (cited by Labcorp Genetics (formerly Invitae), Labcorp); PubMed 32555735 (cited by Labcorp Genetics (formerly Invitae), Labcorp).

NM_000435.3(NOTCH3):c.733T>A (p.Cys245Ser)

Gene: NOTCH3 (notch receptor 3; minus strand). Cytogenetic location: 19p13.12.
Variant type: single nucleotide variant.
Coding change: c.733T>A on transcript NM_000435.3 (MANE Select); coding-DNA position 733, T replaced by A.
Protein change: p.Cys245Ser; replaces cysteine 245 with serine.
Molecular consequence: missense variant.
Genome position (GRCh38, 1-based): chr19:15,191,814, A>T on the plus strand (T>A on the coding strand, the complement: NOTCH3 is on the minus strand). VCF-style: chr19-15191814-A-T. GRCh37 (hg19) VCF-style: chr19-15302625-A-T.
Other names: short protein forms C245S.
Identifiers: ClinVar variation 3571610 (VCV003571610.4).